The following is an entry in ClinVar:

NM_000064.4(C3):c.145G>T (p.Ala49Ser)

Gene: C3 (complement C3; minus strand). Cytogenetic location: 19p13.3.
Variant type: single nucleotide variant.
Coding change: c.145G>T on transcript NM_000064.4 (MANE Select); coding-DNA position 145, G replaced by T.
Protein change: p.Ala49Ser; replaces alanine 49 with serine.
Molecular consequence: missense variant.
Genome position (GRCh38, 1-based): chr19:6,719,333, C>A on the plus strand (G>T on the coding strand, the complement: C3 is on the minus strand). VCF-style: chr19-6719333-C-A. GRCh37 (hg19) VCF-style: chr19-6719344-C-A.
Other names: short protein forms A49S.
Identifiers: ClinVar variation 2627483 (VCV002627483.1), dbSNP rs1599529587, ClinGen allele CA403646186.
Genomic context (GRCh38, chr19:6,719,333, plus strand): 5'-GCACTAGTTTTTTGCCTGGGAAGTCGTGGACAGTAACAGTGACTGGAACATCCCCTTGCG[C>A]GTCGTGGGCCTCCAGCACCATGGTCTCCTCGCTCTCCAGCCGCAAGATGTTGGGGGTGAT-3'
Protein context (NP_000055.2, residues 39-59): EETMVLEAHD[Ala49Ser]QGDVPVTVTV

ClinVar aggregate classification (germline): Uncertain significance (1 of 4 stars; one submission).

Conditions:
Atypical hemolytic-uremic syndrome with C3 anomaly. Also called: AHUS, SUSCEPTIBILITY TO, 5. Identifiers: Orphanet 2134, MedGen C2752037, MONDO:0013043, OMIM 612925.

Submission:

Neuberg Centre For Genomic Medicine, NCGM
Classification: Uncertain significance for Atypical hemolytic-uremic syndrome with C3 anomaly. Review status: criteria provided, single submitter. Criteria: ACMG Guidelines, 2015. Collection method: clinical testing. Allele origin: germline. Inheritance: Autosomal dominant inheritance. Affected: yes.
Comment: The missense variant p.A49S in C3 (NM_000064.4) has not been reported previously as a pathogenic variant nor as a benign variant, to our knowledge. The p.A49S variant is novel (not in any individuals) in gnomAD Exomes and is novel (not in any individuals) in 1000 Genomes. There is a moderate physicochemical difference between alanine and serine. For these reasons, this variant has been classified as Uncertain Significance.